The following is an entry in ClinVar:

ClinVar aggregate classification (germline): Uncertain significance. Review status: criteria provided, single submitter (1 of 4 stars). 2 submissions from 2 submitters: Uncertain significance (1). 1 of the submissions does not count toward it. Last evaluated 2022-08-03.

Conditions:
Atrial fibrillation, familial, 11 (ATFB11). Identifiers: MedGen C3279693, MONDO:0013544, OMIM 614049.
Atrial standstill 1 (ATRST1). Also called: ATRIAL CARDIOMYOPATHY WITH HEART BLOCK; CARDIOMYOPATHY, FAMILIAL, WITH CONDUCTION DISTURBANCE; Atrial standstill, digenic (GJA5/SCN5A). Identifiers: Orphanet 1344, MedGen C4551959, MONDO:0007171, OMIM 108770.

Submissions (2):

Labcorp Genetics (formerly Invitae), Labcorp
Classification: Uncertain significance for Atrial fibrillation, familial, 11; Atrial standstill 1. Last evaluated: 2022-08-03. Review status: criteria provided, single submitter. Criteria: Invitae Variant Classification Sherloc (09022015). Collection method: clinical testing. Allele origin: germline.
Comment: In summary, the available evidence is currently insufficient to determine the role of this variant in disease. Therefore, it has been classified as a Variant of Uncertain Significance. Experimental studies have shown that this missense change affects GJA5 function (PMID: 23348765). This missense change has been observed in individual(s) with atrial fibrillation (PMID: 23348765). ClinVar contains an entry for this variant (Variation ID: 126903). Algorithms developed to predict the effect of missense changes on protein structure and function are either unavailable or do not agree on the potential impact of this missense change (SIFT: "Not Available"; PolyPhen-2: "Probably Damaging"; Align-GVGD: "Not Available"). This sequence change replaces isoleucine, which is neutral and non-polar, with phenylalanine, which is neutral and non-polar, at codon 75 of the GJA5 protein (p.Ile75Phe). This variant is not present in population databases (gnomAD no frequency).

OMIM
Classification: Pathogenic for ATRIAL FIBRILLATION, FAMILIAL, 11. Last evaluated: 2013-04-01. Review status: no assertion criteria provided. Collection method: literature only. Allele origin: germline. Not counted in ClinVar's aggregate classification.

Literature cited by the submitters: PubMed 23348765 (cited by Labcorp Genetics (formerly Invitae), Labcorp and OMIM).

NM_181703.4(GJA5):c.223A>T (p.Ile75Phe)

Gene: GJA5 (gap junction protein alpha 5; minus strand). Cytogenetic location: 1q21.2.
Variant type: single nucleotide variant.
Coding change: c.223A>T on transcript NM_181703.4 (MANE Select); coding-DNA position 223, A replaced by T.
Protein change: p.Ile75Phe; replaces isoleucine 75 with phenylalanine.
Molecular consequence: missense variant.
Genome position (GRCh38, 1-based): chr1:147,759,016, T>A on the plus strand (A>T on the coding strand, the complement: GJA5 is on the minus strand). VCF-style: chr1-147759016-T-A. GRCh37 (hg19) VCF-style: chr1-147231124-T-A.
Other names: c.223A>T, p.Ile75Phe (NM_005266.7); short protein forms I75F.
Identifiers: ClinVar variation 126903 (VCV000126903.6), dbSNP rs587777304, ClinGen allele CA151265.